The following is an entry in ClinVar:

NM_006904.7(PRKDC):c.8521A>T (p.Asn2841Tyr)

Gene: PRKDC (protein kinase, DNA-activated, catalytic subunit; minus strand). Cytogenetic location: 8q11.21.
Variant type: single nucleotide variant.
Coding change: c.8521A>T on transcript NM_006904.7 (MANE Select); coding-DNA position 8521, A replaced by T.
Protein change: p.Asn2841Tyr; replaces asparagine 2841 with tyrosine.
Molecular consequence: missense variant.
Genome position (GRCh38, 1-based): chr8:47,828,224, T>A on the plus strand (A>T on the coding strand, the complement: PRKDC is on the minus strand). VCF-style: chr8-47828224-T-A. GRCh37 (hg19) VCF-style: chr8-48740785-T-A.
Other names: c.8521A>T, p.Asn2841Tyr (NM_001081640.2); short protein forms N2841Y.
Identifiers: ClinVar variation 3425216 (VCV003425216.1).

ClinVar aggregate classification (germline): Uncertain significance (1 of 4 stars; one submission).

Submission:

Ambry Genetics
Classification: Uncertain significance. Last evaluated: 2024-09-01. Review status: criteria provided, single submitter. Criteria: Ambry Variant Classification Scheme 2023. Collection method: clinical testing. Allele origin: germline.
Comment: The p.N2841Y variant (also known as c.8521A>T), located in coding exon 62 of the PRKDC gene, results from an A to T substitution at nucleotide position 8521. The asparagine at codon 2841 is replaced by tyrosine, an amino acid with dissimilar properties. This amino acid position is conserved. In addition, this alteration is predicted to be tolerated by in silico analysis. Based on the available evidence, the clinical significance of this variant remains unclear.